The following is an entry in ClinVar:

NM_006231.4(POLE):c.8T>G (p.Leu3Arg)

Genes: POLE (DNA polymerase epsilon, catalytic subunit; minus strand), LOC130009266 (ATAC-STARR-seq lymphoblastoid silent region 5123; plus strand). Cytogenetic location: 12q24.33.
Variant type: single nucleotide variant.
Coding change: c.8T>G on transcript NM_006231.4 (MANE Select); coding-DNA position 8, T replaced by G.
Protein change: p.Leu3Arg; replaces leucine 3 with arginine.
Molecular consequence: missense variant.
Genome position (GRCh38, 1-based): chr12:132,687,308, A>C on the plus strand (T>G on the coding strand, the complement: POLE is on the minus strand). VCF-style: chr12-132687308-A-C. GRCh37 (hg19) VCF-style: chr12-133263894-A-C.
Other names: short protein forms L3R.
Identifiers: ClinVar variation 3781475 (VCV003781475.1).
Genomic context (GRCh38, chr12:132,687,308, plus strand): 5'-CCTCACCTGCTGGCCTCGCCATCCGCGCCTGGGTCCGCGCGCCGCCGCCCGCCGCTCCTC[A>C]GAGACATGGAGCCGTTGGCTACCACCTCTGCTTCAGGGGAGAAATTTGGCGCGCTCCCAC-3'
Protein context (NP_006222.2, residues 1-13): MS[Leu3Arg]RSGGRRRADP

ClinVar aggregate classification (germline): Uncertain significance (1 of 4 stars; one submission).

Conditions:
Hereditary cancer-predisposing syndrome. Also called: Neoplastic Syndromes, Hereditary; Hereditary Cancer Syndrome; Tumor predisposition; Hereditary neoplastic syndrome. Identifiers: Orphanet 140162, MedGen C0027672, MeSH D009386, MONDO:0015356.

Submission:

Ambry Genetics
Classification: Uncertain significance for Hereditary cancer-predisposing syndrome. Last evaluated: 2025-03-08. Review status: criteria provided, single submitter. Criteria: Ambry Variant Classification Scheme 2023. Collection method: clinical testing. Allele origin: germline.
Comment: The p.L3R variant (also known as c.8T>G), located in coding exon 1 of the POLE gene, results from a T to G substitution at nucleotide position 8. The leucine at codon 3 is replaced by arginine, an amino acid with dissimilar properties. This amino acid position is conserved. In addition, this alteration is predicted to be tolerated by in silico analysis. Based on the available evidence, the clinical significance of this variant remains unclear.